The following is an entry in ClinVar:

ClinVar aggregate classification (germline): Uncertain significance. Review status: criteria provided, multiple submitters, no conflicts (2 of 4 stars). 3 submissions from 3 submitters: Uncertain significance (3). Last evaluated 2026-02-13.

Conditions:
Inborn genetic diseases. Identifiers: MedGen C0950123, MeSH D030342.
IFIH1-related disorder. Also called: IFIH1-related condition.
Aicardi-Goutieres syndrome 7 (AGS7). Identifiers: Orphanet 51, MedGen C3888244, MONDO:0014367, OMIM 615846.
Singleton-Merten syndrome 1 (SGMRT1). Also called: Widened medullary cavities of bone, aortic calcification, abnormal dentition, and muscular weakness; Syndrome of widened medullary cavities of the metacarpals and phalanges, aortic calcification and abnormal dentition. Identifiers: Orphanet 85191, MedGen C4225427, MONDO:0024535, OMIM 182250.

Allele frequency attached by ClinVar (database versions not stated): ExAC 0.00001; gnomAD exomes 0.00001.
gnomAD v4.1: 3 of 1,611,488 alleles (0.00019%); highest among the groups gnomAD compares: Admixed American, 0.005%; no homozygotes.

Submissions (3):

PreventionGenetics, part of Exact Sciences
Classification: Uncertain significance for IFIH1-related condition. Last evaluated: 2026-02-13. Review status: criteria provided, single submitter. Criteria: ACMG Guidelines, 2015. Collection method: clinical testing. Allele origin: germline.
Comment: The IFIH1 c.2759T>A variant is predicted to result in the amino acid substitution p.Ile920Asn. To our knowledge, this variant has not been reported in the literature. This variant is reported in 0.0059% of alleles in individuals of Latino descent in gnomAD. At this time, the clinical significance of this variant is uncertain due to the absence of conclusive functional and genetic evidence.

Ambry Genetics
Classification: Uncertain significance for Inborn genetic diseases. Last evaluated: 2025-05-14. Review status: criteria provided, single submitter. Criteria: Ambry Variant Classification Scheme 2023. Collection method: clinical testing. Allele origin: germline.

Labcorp Genetics (formerly Invitae), Labcorp
Classification: Uncertain significance for Aicardi-Goutieres syndrome 7; Singleton-Merten syndrome 1. Last evaluated: 2024-03-07. Review status: criteria provided, single submitter. Criteria: Invitae Variant Classification Sherloc (09022015). Collection method: clinical testing. Allele origin: germline.
Comment: This sequence change replaces isoleucine, which is neutral and non-polar, with asparagine, which is neutral and polar, at codon 920 of the IFIH1 protein (p.Ile920Asn). This variant is present in population databases (rs748895438, gnomAD 0.006%). This missense change has been observed in individual(s) with IFIH1-related conditions (Invitae). This missense change has been observed in at least one individual who was not affected with IFIH1-related conditions (Invitae). ClinVar contains an entry for this variant (Variation ID: 1448721). Advanced modeling performed at Invitae incorporating data from internal and/or published experimental studies (Invitae) did not meet the statistical confidence thresholds required to predict the impact of this variant on IFIH1 function. In summary, the available evidence is currently insufficient to determine the role of this variant in disease. Therefore, it has been classified as a Variant of Uncertain Significance.

NM_022168.4(IFIH1):c.2759T>A (p.Ile920Asn)

Gene: IFIH1 (interferon induced with helicase C domain 1; minus strand). Cytogenetic location: 2q24.2.
Variant type: single nucleotide variant.
Coding change: c.2759T>A on transcript NM_022168.4 (MANE Select); coding-DNA position 2759, T replaced by A.
Protein change: p.Ile920Asn; replaces isoleucine 920 with asparagine.
Molecular consequence: missense variant.
Genome position (GRCh38, 1-based): chr2:162,268,135, A>T on the plus strand (T>A on the coding strand, the complement: IFIH1 is on the minus strand). VCF-style: chr2-162268135-A-T. GRCh37 (hg19) VCF-style: chr2-163124645-A-T.
Other names: c.2759T>A (NM_022168.2, NM_022168.3); short protein forms I920N.
Identifiers: ClinVar variation 1448721 (VCV001448721.10), dbSNP rs748895438, ClinGen allele CA1934086.
Genomic context (GRCh38, chr2:162,268,135, plus strand): 5'-TTCTGGACTCACTTGAATTCTGGGGTCATATTGACGTGATGCATTTTCTCAATTACATGG[A>T]TATCTTCCCCAGAACAGGCTAGCACACTGCAGTTTTTGCAAAGGAAAGTTATTAGTGATG-3'
Protein context (NP_071451.2, residues 910-930): CSVLACSGED[Ile920Asn]HVIEKMHHVN